The following is an entry in ClinVar:

ClinVar aggregate classification (germline): Likely pathogenic (1 of 4 stars; one submission).

Conditions:
Immunodeficiency 35 (IMD35). Also called: TYK2 DEFICIENCY; HIES WITH ATYPICAL MYCOBACTERIOSIS, AUTOSOMAL RECESSIVE; HYPER-IgE SYNDROME WITH ATYPICAL MYCOBACTERIOSIS, AUTOSOMAL RECESSIVE; Susceptibility to infection due to TYK2 deficiency. Identifiers: Orphanet 331226, MedGen C1969086, MONDO:0012682, OMIM 611521.

Allele frequency attached by ClinVar (database versions not stated): gnomAD exomes below 0.00001.
gnomAD v4.1: 1 of 1,613,496 alleles (0.000062%); highest among the groups gnomAD compares: Non-Finnish European, 0.000085%; no homozygotes.

Submission:

Labcorp Genetics (formerly Invitae), Labcorp
Classification: Likely pathogenic for Immunodeficiency 35. Last evaluated: 2022-04-28. Review status: criteria provided, single submitter. Criteria: Invitae Variant Classification Sherloc (09022015). Collection method: clinical testing. Allele origin: germline.
Comment: This variant has not been reported in the literature in individuals affected with TYK2-related conditions. Algorithms developed to predict the effect of sequence changes on RNA splicing suggest that this variant may disrupt the consensus splice site. In summary, the currently available evidence indicates that the variant is pathogenic, but additional data are needed to prove that conclusively. Therefore, this variant has been classified as Likely Pathogenic. This variant is not present in population databases (gnomAD no frequency). This sequence change affects a donor splice site in intron 16 of the TYK2 gene. It is expected to disrupt RNA splicing. Variants that disrupt the donor or acceptor splice site typically lead to a loss of protein function (PMID: 16199547), and loss-of-function variants in TYK2 are known to be pathogenic (PMID: 22402565, 26304966).

Literature cited by the submitters: PubMed 16199547; PubMed 22402565; PubMed 26304966.

NM_003331.5(TYK2):c.2311+1G>T

Gene: TYK2 (tyrosine kinase 2; minus strand). Cytogenetic location: 19p13.2.
Variant type: single nucleotide variant.
Coding change: c.2311+1G>T on transcript NM_003331.5 (MANE Select); the canonical splice donor site of the intron after coding-DNA position 2311, G replaced by T.
Molecular consequence: splice donor variant.
Genome position (GRCh38, 1-based): chr19:10,358,002, C>A on the plus strand (G>T on the coding strand, the complement: TYK2 is on the minus strand). VCF-style: chr19-10358002-C-A. GRCh37 (hg19) VCF-style: chr19-10468678-C-A.
Other names: c.2125+1G>T (NM_001385199.1); c.2311+1G>T (NM_001406461.1, NM_001385200.1, NM_001385198.1 and 3 more transcripts); c.2221+1G>T (NM_001385205.1); c.2113+1G>T (NM_001385201.1); c.2185+1G>T (NM_001385206.1); c.2293+1G>T (NM_001385207.1); c.2227+1G>T (NM_001385202.1).
Identifiers: ClinVar variation 2068667 (VCV002068667.4), dbSNP rs2512496407, ClinGen allele CA403996247.
Genomic context (GRCh38, chr19:10,358,002, plus strand): 5'-ACCAAGGGTGAAAGGAGCAGGGGAAGCCCCCCACTGTGCCCAGGTCCCCTCAGGTACTCA[C>A]CCTCCCTGGAGAGGGCGCCCAGGCCCACGCCAGGATCACTCAGCTTGATGAAGGGGCTGG-3'